The following is an entry in ClinVar:

ClinVar aggregate classification (germline): Uncertain significance. Review status: criteria provided, multiple submitters, no conflicts (2 of 4 stars). 4 submissions from 4 submitters: Uncertain significance (4). Last evaluated 2025-05-14.

Conditions:
Inborn genetic diseases. Identifiers: MedGen C0950123, MeSH D030342.
Autosomal recessive spinocerebellar ataxia 14. Also called: CEREBELLAR ATAXIA, AUTOSOMAL RECESSIVE, SPECTRIN-ASSOCIATED, 1. Identifiers: Orphanet 352403, MedGen C4706415, MONDO:0014159, OMIM 615386.
Spinocerebellar ataxia type 5 (SCA5). Identifiers: Orphanet 98766, MedGen C0752123, MONDO:0010848, OMIM 600224.
SPTBN2-related disorder. Also called: SPTBN2-related condition.

Allele frequency attached by ClinVar (database versions not stated): gnomAD exomes 0.00002; TOPMed 0.00004; gnomAD 0.00005; ExAC 0.00008.
gnomAD v4.1: 45 of 1,612,156 alleles (0.0028%); highest among the groups gnomAD compares: South Asian, 0.028%; 1 homozygote.

Submissions (4):

PreventionGenetics, part of Exact Sciences
Classification: Uncertain significance for SPTBN2-related condition. Last evaluated: 2025-05-14. Review status: criteria provided, single submitter. Criteria: ACMG Guidelines, 2015. Collection method: clinical testing. Allele origin: germline.
Comment: The SPTBN2 c.6274G>A variant is predicted to result in the amino acid substitution p.Glu2092Lys. To our knowledge, this variant has not been reported in the literature. This variant is reported in 0.023% of alleles in individuals of South Asian descent in gnomAD. At this time, the clinical significance of this variant is uncertain due to the absence of conclusive functional and genetic evidence.

Ambry Genetics
Classification: Uncertain significance for Inborn genetic diseases. Last evaluated: 2025-03-27. Review status: criteria provided, single submitter. Criteria: Ambry Variant Classification Scheme 2023. Collection method: clinical testing. Allele origin: germline.

Department of Pathology and Laboratory Medicine, Sinai Health System
Classification: Uncertain significance for Spinocerebellar ataxia type 5; Autosomal recessive spinocerebellar ataxia 14. Last evaluated: 2020-05-13. Review status: criteria provided, single submitter. Criteria: ACMG Guidelines, 2015. Collection method: research. Allele origin: germline.

Revvity Omics, Revvity
Classification: Uncertain significance. Last evaluated: 2019-06-18. Review status: criteria provided, single submitter. Criteria: ACMG Guidelines, 2015. Collection method: clinical testing. Allele origin: germline.

NM_006946.4(SPTBN2):c.6274G>A (p.Glu2092Lys)

Gene: SPTBN2 (spectrin beta, non-erythrocytic 2; minus strand). Cytogenetic location: 11q13.2.
Variant type: single nucleotide variant.
Coding change: c.6274G>A on transcript NM_006946.4 (MANE Select); coding-DNA position 6274, G replaced by A.
Protein change: p.Glu2092Lys; replaces glutamic acid 2092 with lysine.
Molecular consequence: missense variant.
Genome position (GRCh38, 1-based): chr11:66,688,269, C>T on the plus strand (G>A on the coding strand, the complement: SPTBN2 is on the minus strand). VCF-style: chr11-66688269-C-T. GRCh37 (hg19) VCF-style: chr11-66455740-C-T.
Other names: c.6274G>A (NM_006946.3); c.6295G>A, p.Glu2099Lys (NM_001411025.1); short protein forms E2092K, E2099K.
Identifiers: ClinVar variation 2409694 (VCV002409694.8), dbSNP rs773275665, ClinGen allele CA6127994.